The following is an entry in ClinVar:

NC_012920.1(MT-TI):m.4296G>A

Gene: MT-TI (mitochondrially encoded tRNA isoleucine; plus strand).
Variant type: single nucleotide variant.
Genome position: chrM-4296-G-A.
Identifiers: ClinVar variation 689873 (VCV000689873.3), dbSNP rs1603219393, ClinGen allele CA913177641.

ClinVar aggregate classification (germline): Uncertain significance. Review status: reviewed by expert panel (3 of 4 stars). 3 submissions from 3 submitters: Uncertain significance (1). 2 of the submissions do not count toward it. Last evaluated 2024-09-24.

Conditions:
Mitochondrial disease. Also called: Mitochondrial disorder; Mitochondrial disorders. Identifiers: Orphanet 68380, MedGen C0751651, MeSH D028361, MONDO:0044970.
MERRF syndrome (MERRF). Also called: MYOCLONIC EPILEPSY ASSOCIATED WITH RAGGED-RED FIBERS; Myoclonus with epilepsy with ragged red fibers; Myoencephalopathy ragged-red fiber disease. Identifiers: Orphanet 551, MedGen C0162672, MONDO:0010790, OMIM 545000.
MELAS syndrome (MELAS). Also called: Juvenile myopathy, encephalopathy, lactic acidosis, stroke. Identifiers: Orphanet 550, MedGen C0162671, MONDO:0010789, OMIM 540000.

Submissions (3):

ClinGen Mitochondrial Disease Nuclear and Mitochondrial  Variant Curation Expert Panel, ClinGen
Classification: Uncertain significance for Mitochondrial disease. Last evaluated: 2024-09-24. Review status: reviewed by expert panel. Criteria: clingen mito disease acmg specifications v1-1. Collection method: curation. Allele origin: germline. Inheritance: Mitochondrial inheritance.
Comment: The m.4296G>A variant in MT-TI has been reported in four individuals with primary mitochondrial disease (PMIDs: 21982779, 23288206, 23395828, 31564700; PS4_moderate). Affected individuals had Leigh syndrome, encephalopathy, parkinsonism, dysarthria, clumsiness, seizures, cognitive decline, peripheral neuropathy, feeding difficulty, lethargy, respiratory insufficiency, hypogonadism, and diabetes. The variant was present at heteroplasmy levels between 78% and homoplasmy in blood and skin fibroblasts. The variant was present at <5% in blood, cheek cells, and urine sediment from one individual’s asymptomatic mother and sister (PMID: 21982779), and was present at lower heteroplasmy levels (4-58%) in two additional mothers (PMIDs: 23288206, 23395828) and between 1.4-31.6% in an asymptomatic sister (PMID: 23288206; PP1). This variant was also seen in an individual at 2% heteroplasmy who also had a single large scale mitochondrial DNA deletion at 64% heteroplasmy (PMID: 31965079). This variant is absent in the GenBank dataset and gnomAD v3.1.2, and there are 10 heteroplasmic occurrences in the Helix dataset. MitoTIP predicts the variant is possibly benign (46.6 percentile) and HmtVAR predicts the variant is neutral (score of 0.3; BP4). There are no single fiber studies or other functional assays reported for this variant. In summary, this variant meets criteria to be classified as uncertain significance for primary mitochondrial disease inherited in a mitochondrial manner. This classification was approved by the NICHD/NINDS U24 ClinGen Mitochondrial Disease Variant Curation Expert Panel on September 24, 2024. Mitochondrial DNA-specific ACMG/AMP criteria applied (PMID: 32906214): PS4_moderate, PP1, BP4.

Mendelics
Classification: Pathogenic for MERRF syndrome. Last evaluated: 2022-05-04. Review status: criteria provided, single submitter. Criteria: Mendelics Assertion Criteria 2019. Collection method: clinical testing. Allele origin: germline. Not counted in ClinVar's aggregate classification.

Wong Mito Lab, Molecular and Human Genetics, Baylor College of Medicine
Classification: Likely pathogenic for MELAS syndrome. Last evaluated: 2019-07-12. Review status: criteria provided, single submitter. Criteria: Modified ACMG Guidelines (Unpublished). Collection method: clinical testing. Allele origin: germline. Not counted in ClinVar's aggregate classification.
Comment: The NC_012920.1:m.4296G>A variant in MT-TI gene is interpreted to be a Likely Pathogenic variant based on the modified ACMG guidelines (unpublished). This variant meets the following evidence codes reported in the guidelines: PM8, PM9, PM10

Literature cited by the submitters: PubMed 31965079 (cited by Wong Mito Lab, Molecular and Human Genetics, Baylor College of Medicine); PubMed 21982779 (cited by Wong Mito Lab, Molecular and Human Genetics, Baylor College of Medicine).